The following is an entry in ClinVar:

NM_194248.3(OTOF):c.3480_3486del (p.Ile1160fs)

Gene: OTOF (otoferlin; minus strand). Cytogenetic location: 2p23.3.
Variant type: Deletion.
Coding change: c.3480_3486del on transcript NM_194248.3 (MANE Select); coding-DNA positions 3480 to 3486, 7 bases deleted (CGAGTGT; older notation c.3480_3486delCGAGTGT).
Protein change: p.Ile1160fs; shifts the reading frame from isoleucine 1160.
Molecular consequence: frameshift variant.
Genome position (GRCh38, 1-based): chr2:26,473,490-26,473,496, ACACTCG deleted on the plus strand (CGAGTGT on the coding strand, the reverse complement: OTOF is on the minus strand); deleting any 7 consecutive bases within chr2:26,473,490-26,473,497 gives the same sequence; the c. name uses the placement nearest the transcript's 3' end. VCF-style (leftmost placement, unchanged base first): chr2-26473489-CACACTCG-C. GRCh37 (hg19) VCF-style: chr2-26696357-CACACTCG-C.
Other names: c.3480_3486del, p.Ile1160fs (NM_001287489.2); c.1239_1245del, p.Ile413fs (NM_004802.4, NM_194323.3); c.1410_1416del, p.Ile470fs (NM_194322.3); short protein forms I1160fs, I413fs, I470fs.
Identifiers: ClinVar variation 2862522 (VCV002862522.3), dbSNP rs1665100275, ClinGen allele CA1239824200.

ClinVar aggregate classification (germline): Pathogenic (1 of 4 stars; one submission).

Submission:

Labcorp Genetics (formerly Invitae), Labcorp
Classification: Pathogenic. Last evaluated: 2023-12-03. Review status: criteria provided, single submitter. Criteria: Invitae Variant Classification Sherloc (09022015). Collection method: clinical testing. Allele origin: germline.
Comment: This sequence change creates a premature translational stop signal (p.Ile1160Metfs*10) in the OTOF gene. It is expected to result in an absent or disrupted protein product. Loss-of-function variants in OTOF are known to be pathogenic (PMID: 18381613, 19250381, 22575033). This variant is not present in population databases (gnomAD no frequency). This variant has not been reported in the literature in individuals affected with OTOF-related conditions. For these reasons, this variant has been classified as Pathogenic.

Literature cited by the submitters: PubMed 18381613; PubMed 19250381; PubMed 22575033.